The following is an entry in ClinVar:

ClinVar aggregate classification (germline): Uncertain significance (1 of 4 stars; one submission).

Conditions:
Familial thoracic aortic aneurysm and aortic dissection (TAAD). Also called: Thoracic aortic aneurysms and dissections. Identifiers: Orphanet 91387, MedGen C4707243, MONDO:0019625.

Allele frequency attached by ClinVar (database versions not stated): gnomAD exomes below 0.00001; ExAC 0.00001.

Submission:

Color Diagnostics, LLC DBA Color Health
Classification: Uncertain significance for Familial thoracic aortic aneurysm and aortic dissection. Last evaluated: 2023-12-04. Review status: criteria provided, single submitter. Criteria: ACMG Guidelines, 2015. Collection method: clinical testing. Allele origin: germline.
Comment: Variant of Uncertain Significance due to insufficient evidence: This missense variant is located in the extracellular domain of the TGFBR2 protein. Computational prediction tools and conservation analyses are inconclusive regarding the impact of this variant on the protein function. Computational splicing tools suggest that this variant may not impact RNA splicing. To our knowledge, functional assays have not been performed for this variant nor has this variant been reported in individuals affected with cardiovascular disorders in the literature. This variant has been identified in 1/245768 chromosomes in the general population by the Genome Aggregation Database (gnomAD). Available evidence is insufficient to determine the pathogenicity of this variant conclusively.

NM_003242.6(TGFBR2):c.325C>G (p.His109Asp)

Gene: TGFBR2 (transforming growth factor beta receptor 2; plus strand). Cytogenetic location: 3p24.1.
Variant type: single nucleotide variant.
Coding change: c.325C>G on transcript NM_003242.6 (MANE Select); coding-DNA position 325, C replaced by G.
Protein change: p.His109Asp; replaces histidine 109 with aspartic acid.
Molecular consequence: missense variant.
Genome position (GRCh38, 1-based): chr3:30,650,331, C>G. VCF-style: chr3-30650331-C-G. GRCh37 (hg19) VCF-style: chr3-30691823-C-G.
Other names: c.400C>G, p.His134Asp (NM_001024847.3, NM_001407126.1, NM_001407139.1); c.325C>G, p.His109Asp (NM_001407127.1, NM_001407130.1); c.352C>G, p.His118Asp (NM_001407128.1); c.220C>G, p.His74Asp (NM_001407129.1, NM_001407132.1, NM_001407133.1 and 3 more transcripts); short protein forms H109D, H134D, H118D, H74D.
Identifiers: ClinVar variation 922792 (VCV000922792.6), dbSNP rs778838598, ClinGen allele CA047987.